The following is an entry in ClinVar:

ClinVar aggregate classification (germline): Uncertain significance (1 of 4 stars; one submission).

Conditions:
Epidermolysis bullosa simplex 3, localized or generalized intermediate, with BP230 deficiency (EBS3). Also called: Epidermolysis bullosa simplex due to BP230 deficiency; Epidermolysis bullosa simplex, autosomal recessive 2. Identifiers: Orphanet 412181, MedGen C3809470, MONDO:0014180, OMIM 615425.
Hereditary sensory and autonomic neuropathy type 6. Also called: Neuropathy, hereditary sensory and autonomic, type VI; HSAN VI. Identifiers: Orphanet 314381, MedGen C3539003, MONDO:0013839, OMIM 614653.

Allele frequency attached by ClinVar (database versions not stated): TOPMed below 0.00001; gnomAD 0.00001; ExAC 0.00002.
gnomAD v4.1: 5 of 1,613,360 alleles (0.00031%); highest among the groups gnomAD compares: Non-Finnish European, 0.00042%; no homozygotes.

Submission:

Labcorp Genetics (formerly Invitae), Labcorp
Classification: Uncertain significance for Epidermolysis bullosa simplex 3, localized or generalized intermediate, with BP230 deficiency; Hereditary sensory and autonomic neuropathy type 6. Last evaluated: 2022-03-05. Review status: criteria provided, single submitter. Criteria: Invitae Variant Classification Sherloc (09022015). Collection method: clinical testing. Allele origin: germline.
Comment: In summary, the available evidence is currently insufficient to determine the role of this variant in disease. Therefore, it has been classified as a Variant of Uncertain Significance. Experimental studies and prediction algorithms are not available or were not evaluated, and the functional significance of this variant is currently unknown. This variant has not been reported in the literature in individuals affected with DST-related conditions. This variant is present in population databases (rs768162136, gnomAD 0.002%). This sequence change replaces threonine, which is neutral and polar, with serine, which is neutral and polar, at codon 4532 of the DST protein (p.Thr4532Ser). The DST gene has multiple clinically relevant transcripts. This variant occurs in alternate transcript NM_015548.4, and corresponds to NM_001723.5:c.*133399A>T in the primary transcript.

NM_001374736.1(DST):c.21463A>T (p.Thr7155Ser)

Gene: DST (dystonin; minus strand). Cytogenetic location: 6p12.1.
Variant type: single nucleotide variant.
Coding change: c.21463A>T on transcript NM_001374736.1 (MANE Select); coding-DNA position 21463, A replaced by T.
Protein change: p.Thr7155Ser; replaces threonine 7155 with serine.
Molecular consequence: missense variant.
Genome position (GRCh38, 1-based): chr6:56,482,118, T>A on the plus strand (A>T on the coding strand, the complement: DST is on the minus strand). VCF-style: chr6-56482118-T-A. GRCh37 (hg19) VCF-style: chr6-56346916-T-A.
Other names: c.15106A>T, p.Thr5036Ser (NM_001144769.5); c.14692A>T, p.Thr4898Ser (NM_001144770.2); c.21463A>T, p.Thr7155Ser (NM_001374722.1); c.20503A>T, p.Thr6835Ser (NM_001374729.1); c.14245A>T, p.Thr4749Ser (NM_001374730.1); c.21490A>T, p.Thr7164Ser (NM_001374734.1); c.14572A>T, p.Thr4858Ser (NM_001386100.1, NM_183380.4); c.13594A>T, p.Thr4532Ser (NM_015548.5); short protein forms T4532S, T7155S, T7164S, T4749S, T4858S, T6835S, T4898S, T5036S.
Identifiers: ClinVar variation 2179185 (VCV002179185.2), dbSNP rs768162136, ClinGen allele CA3866467.